The following is an entry in ClinVar:

ClinVar aggregate classification (germline): Uncertain significance (1 of 4 stars; one submission).

Conditions:
Arrhythmogenic right ventricular dysplasia 8 (ARVD8). Also called: Arrhythmogenic Right Ventricular Dysplasia/Cardiomyopathy 8; ARRHYTHMOGENIC RIGHT VENTRICULAR DYSPLASIA, FAMILIAL, 8; ARRHYTHMOGENIC RIGHT VENTRICULAR CARDIOMYOPATHY 8. Identifiers: MedGen C1843896, MONDO:0011831, OMIM 607450.
Arrhythmogenic cardiomyopathy with wooly hair and keratoderma. Also called: Carvajal syndrome; PALMOPLANTAR KERATODERMA WITH LEFT VENTRICULAR CARDIOMYOPATHY AND WOOLLY HAIR; Dilated cardiomyopathy with woolly hair and keratoderma; Arrhythmogenic cardiomyopathy with woolly hair and keratoderma. Identifiers: Orphanet 65282, MedGen C1854063, MONDO:0011581, OMIM 605676.

Submission:

Labcorp Genetics (formerly Invitae), Labcorp
Classification: Uncertain significance for Arrhythmogenic cardiomyopathy with wooly hair and keratoderma; Arrhythmogenic right ventricular dysplasia 8. Last evaluated: 2022-09-22. Review status: criteria provided, single submitter. Criteria: Invitae Variant Classification Sherloc (09022015). Collection method: clinical testing. Allele origin: germline.
Comment: This variant results in a copy number gain of the genomic region encompassing exon(s) 1 of the DSP gene. This region includes the initiator codon of the gene. This copy number gain extends beyond the assayed region for this gene and therefore may encompass additional genes. As the precise location of this event is unknown, it may be in tandem or it may be located elsewhere in the genome. This variant has not been reported in the literature in individuals affected with DSP-related conditions. In summary, the available evidence is currently insufficient to determine the role of this variant in disease. Therefore, it has been classified as a Variant of Uncertain Significance.

NC_000006.11:g.(?_7542149)_(7542338_?)dup

Gene: DSP (desmoplakin; plus strand). Cytogenetic location: 6p24.3.
Variant type: Duplication.
Identifiers: ClinVar variation 2425106 (VCV002425106.1).